The following is an entry in ClinVar:

ClinVar aggregate classification (germline): Pathogenic. Review status: no assertion criteria provided (0 of 4 stars). 2 submissions from 2 submitters: Pathogenic (1). 1 of the submissions does not count toward it. Last evaluated 2002-08-01.

Conditions:
Familial long QT syndrome (RWS). Also called: Romano-Ward syndrome; VENTRICULAR FIBRILLATION WITH PROLONGED QT INTERVAL; Congenital long QT syndrome. Identifiers: Orphanet 768, MedGen C1141890, MONDO:0019171.
Andersen Tawil syndrome (LQT7). Also called: Potassium-sensitive periodic paralysis, ventricular ectopy, and dysmorphic features; Andersen Syndrome; ANDERSEN CARDIODYSRHYTHMIC PERIODIC PARALYSIS; PERIODIC PARALYSIS, POTASSIUM-SENSITIVE CARDIODYSRHYTHMIC TYPE; LONG QT SYNDROME 7. Identifiers: Orphanet 37553, MedGen C1563715, MONDO:0008222, OMIM 170390.

Submissions (2):

OMIM
Classification: Pathogenic for ANDERSEN CARDIODYSRHYTHMIC PERIODIC PARALYSIS. Last evaluated: 2002-08-01. Review status: no assertion criteria provided. Collection method: literature only. Allele origin: germline.

Cardiovascular Biomedical Research Unit, Royal Brompton & Harefield NHS Foundation Trust
No classification provided. Condition: Familial long QT syndrome. Review status: no classification provided. Collection method: literature only. Allele origin: germline. Not counted in ClinVar's aggregate classification.
Comment: This variant has been reported in the following publications (PMID:12163457;PMID:22002906).

Literature cited by the submitters: PubMed 12163457 (cited by OMIM and Cardiovascular Biomedical Research Unit, Royal Brompton & Harefield NHS Foundation Trust); PubMed 22002906 (cited by Cardiovascular Biomedical Research Unit, Royal Brompton & Harefield NHS Foundation Trust); PubMed 22581653 (cited by Cardiovascular Biomedical Research Unit, Royal Brompton & Harefield NHS Foundation Trust).

NM_000891.3(KCNJ2):c.557C>T (p.Pro186Leu)

Gene: KCNJ2 (potassium inwardly rectifying channel subfamily J member 2; plus strand). Cytogenetic location: 17q24.3.
Variant type: single nucleotide variant.
Coding change: c.557C>T on transcript NM_000891.3 (MANE Select); coding-DNA position 557, C replaced by T.
Protein change: p.Pro186Leu; replaces proline 186 with leucine.
Molecular consequence: missense variant.
Genome position (GRCh38, 1-based): chr17:70,175,596, C>T. VCF-style: chr17-70175596-C-T. GRCh37 (hg19) VCF-style: chr17-68171737-C-T.
Other names: c.557C>T (LRG_328t1); short protein forms P186L.
Identifiers: ClinVar variation 8924 (VCV000008924.2), dbSNP rs104894581, ClinGen allele CA254596.